The following is an entry in ClinVar:

NM_004170.6(SLC1A1):c.*1516G>C

Gene: SLC1A1 (solute carrier family 1 member 1; plus strand). Cytogenetic location: 9p24.2.
Variant type: single nucleotide variant.
Coding change: c.*1516G>C on transcript NM_004170.6 (MANE Select); 1516 bases downstream of the stop codon, G replaced by C.
Molecular consequence: 3 prime UTR variant.
Genome position (GRCh38, 1-based): chr9:4,587,074, G>C. VCF-style: chr9-4587074-G-C. GRCh37 (hg19) VCF-style: chr9-4587074-G-C.
Identifiers: ClinVar variation 913971 (VCV000913971.4), dbSNP rs187849247, ClinGen allele CA188360231.

ClinVar aggregate classification (germline): Likely benign (1 of 4 stars; one submission).

Conditions:
Dicarboxylic aminoaciduria (DCBXA). Also called: GLUTAMATE-ASPARTATE TRANSPORT DEFECT. Identifiers: Orphanet 2195, MedGen C1857253, MONDO:0009110, OMIM 222730.

Allele frequency attached by ClinVar (database versions not stated): TOPMed 0.00017; 1000 Genomes Project 30x 0.00031; gnomAD 0.00031 and 0.00032; 1000 Genomes Project 0.00040.

Submission:

Illumina Laboratory Services, Illumina
Classification: Likely benign for Dicarboxylic aminoaciduria. Last evaluated: 2018-01-13. Review status: criteria provided, single submitter. Criteria: ICSL Variant Classification Criteria 13 December 2019. Collection method: clinical testing. Allele origin: germline.
Comment: This variant was observed in the ICSL laboratory as part of a predisposition screen in an ostensibly healthy population. It had not been previously curated by ICSL or reported in the Human Gene Mutation Database (HGMD: prior to June 1st, 2018), and was therefore a candidate for classification through an automated scoring system. Utilizing variant allele frequency, disease prevalence and penetrance estimates, and inheritance mode, an automated score was calculated to assess if this variant is too frequent to cause the disease. Based on the score and internal cut-off values, a variant classified as likely benign is not then subjected to further curation. The score for this variant resulted in a classification of likely benign for this disease.